The following is an entry in ClinVar:

NM_020435.4(GJC2):c.719G>C (p.Arg240Pro)

Gene: GJC2 (gap junction protein gamma 2; plus strand). Cytogenetic location: 1q42.13.
Variant type: single nucleotide variant.
Coding change: c.719G>C on transcript NM_020435.4 (MANE Select); coding-DNA position 719, G replaced by C.
Protein change: p.Arg240Pro; replaces arginine 240 with proline.
Molecular consequence: missense variant.
Genome position (GRCh38, 1-based): chr1:228,158,477, G>C. VCF-style: chr1-228158477-G-C. GRCh37 (hg19) VCF-style: chr1-228346178-G-C.
Other names: short protein forms R240P.
Identifiers: ClinVar variation 4706807 (VCV004706807.1).

ClinVar aggregate classification (germline): Uncertain significance (1 of 4 stars; one submission).

Conditions:
Spastic paraplegia. Identifiers: MedGen C0037772, HP:0001258.

Submission:

Labcorp Genetics (formerly Invitae), Labcorp
Classification: Uncertain significance for Spastic paraplegia. Last evaluated: 2025-06-16. Review status: criteria provided, single submitter. Criteria: Invitae Variant Classification Sherloc (09022015). Collection method: clinical testing. Allele origin: germline.
Comment: This sequence change replaces arginine, which is basic and polar, with proline, which is neutral and non-polar, at codon 240 of the GJC2 protein (p.Arg240Pro). This variant is not present in population databases (gnomAD no frequency). This variant has not been reported in the literature in individuals affected with GJC2-related conditions. Invitae Evidence Modeling of protein sequence and biophysical properties (such as structural, functional, and spatial information, amino acid conservation, physicochemical variation, residue mobility, and thermodynamic stability) indicates that this missense variant is not expected to disrupt GJC2 protein function with a negative predictive value of 95%. In summary, the available evidence is currently insufficient to determine the role of this variant in disease. Therefore, it has been classified as a Variant of Uncertain Significance.